The following is an entry in ClinVar:

ClinVar aggregate classification (germline): Uncertain significance. Review status: criteria provided, multiple submitters, no conflicts (2 of 4 stars). 2 submissions from 2 submitters: Uncertain significance (2). Last evaluated 2024-05-24.

Conditions:
Fraser syndrome 1 (FRASRS1). Also called: CRYPTOPHTHALMOS WITH OTHER MALFORMATIONS. Identifiers: Orphanet 2052, MedGen C4551480, MONDO:0054737, OMIM 219000.

Allele frequency attached by ClinVar (database versions not stated): ExAC 0.00001; TOPMed 0.00001; gnomAD exomes 0.00002.
gnomAD v4.1: 29 of 1,613,790 alleles (0.0018%); highest among the groups gnomAD compares: African/African-American, 0.0053%; no homozygotes.

Submissions (2):

Fulgent Genetics
Classification: Uncertain significance for Fraser syndrome 1. Last evaluated: 2024-05-24. Review status: criteria provided, single submitter. Criteria: ACMG Guidelines, 2015. Collection method: clinical testing. Allele origin: germline.

Labcorp Genetics (formerly Invitae), Labcorp
Classification: Uncertain significance. Last evaluated: 2024-05-20. Review status: criteria provided, single submitter. Criteria: Invitae Variant Classification Sherloc (09022015). Collection method: clinical testing. Allele origin: germline.
Comment: This sequence change replaces arginine, which is basic and polar, with glutamine, which is neutral and polar, at codon 926 of the FRAS1 protein (p.Arg926Gln). The frequency data for this variant in the population databases is considered unreliable, as metrics indicate poor data quality at this position in the gnomAD database. This variant has not been reported in the literature in individuals affected with FRAS1-related conditions. ClinVar contains an entry for this variant (Variation ID: 2190767). Algorithms developed to predict the effect of missense changes on protein structure and function output the following: SIFT: "Not Available"; PolyPhen-2: "Benign"; Align-GVGD: "Not Available". The glutamine amino acid residue is found in multiple mammalian species, which suggests that this missense change does not adversely affect protein function. In summary, the available evidence is currently insufficient to determine the role of this variant in disease. Therefore, it has been classified as a Variant of Uncertain Significance.

NM_025074.7(FRAS1):c.2777G>A (p.Arg926Gln)

Gene: FRAS1 (Fraser extracellular matrix complex subunit 1; plus strand). Cytogenetic location: 4q21.21.
Variant type: single nucleotide variant.
Coding change: c.2777G>A on transcript NM_025074.7 (MANE Select); coding-DNA position 2777, G replaced by A.
Protein change: p.Arg926Gln; replaces arginine 926 with glutamine.
Molecular consequence: missense variant.
Genome position (GRCh38, 1-based): chr4:78,369,892, G>A. VCF-style: chr4-78369892-G-A. GRCh37 (hg19) VCF-style: chr4-79291046-G-A.
Other names: c.2777G>A, p.Arg926Gln (NM_001166133.2); short protein forms R926Q.
Identifiers: ClinVar variation 2190767 (VCV002190767.4), dbSNP rs746247794, ClinGen allele CA2976736.